The following is an entry in ClinVar:

ClinVar aggregate classification (germline): Pathogenic. Review status: criteria provided, multiple submitters, no conflicts (2 of 4 stars). 12 submissions from 12 submitters: Pathogenic (11). 1 of the submissions does not count toward it. Last evaluated 2026-04-15.

Conditions:
TGFBI-related disorder. Also called: TGFBI-related condition.
Corneal dystrophy. Identifiers: Orphanet 34533, MedGen C0010036, MONDO:0018102, HP:0001131.
Groenouw corneal dystrophy type I (CDGG1). Also called: GRANULAR CORNEAL DYSTROPHY, TYPE I. Identifiers: Orphanet 98962, MedGen C1641846, MONDO:0007377, OMIM 121900.
Avellino corneal dystrophy (CDA). Also called: Granular-lattice (Avellino) corneal dystrophy; Combined granular-lattice corneal dystrophies; Granular and lattice corneal dystrophies; Granular corneal dystrophy type 2; GRANULAR CORNEAL DYSTROPHY, TYPE II; COMBINED GRANULAR-LATTICE CORNEAL DYSTROPHY. Identifiers: Orphanet 98963, MedGen C1275685, MONDO:0011855, OMIM 607541.
Epithelial basement membrane dystrophy. Also called: Microcystic dystrophy of the cornea; Corneal dystrophy, Cogan type; Map-dot-fingerprint dystrophy of cornea; CORNEAL DYSTROPHY, EPITHELIAL BASEMENT MEMBRANE; CORNEAL DYSTROPHY, ANTERIOR BASEMENT MEMBRANE; CORNEAL DYSTROPHY, MICROCYSTIC. Identifiers: Orphanet 98956, MedGen C0521723, MONDO:0007375, OMIM 121820, HP:0007690.
Lattice corneal dystrophy Type I (CDL1). Identifiers: Orphanet 98964, MedGen C1690006, MONDO:0007380, OMIM 122200.
Thiel-Behnke corneal dystrophy (CDTB). Also called: Corneal dystrophy honeycomb shaped; Corneal dystrophy of the Bowman layer type 2. Identifiers: Orphanet 98960, MedGen C1562894, MONDO:0011185, OMIM 602082.
Reis-Bucklers' corneal dystrophy (CDRB). Also called: GRANULAR CORNEAL DYSTROPHY, TYPE III. Identifiers: Orphanet 98961, MedGen C0339278, MONDO:0012043, OMIM 608470.
Corneal dystrophy, lattice type 3A (CDL3A). Also called: Lattice corneal dystrophy type III A. Identifiers: Orphanet 98964, MedGen C1837974, MONDO:0012044, OMIM 608471.

Allele frequency attached by ClinVar (database versions not stated): gnomAD 0.00001 and below 0.00001; TOPMed 0.00001.
gnomAD v4.1: 3 of 1,613,608 alleles (0.00019%); highest among the groups gnomAD compares: South Asian, 0.0022%; no homozygotes.

Submissions (12):

Clinical Genetics Laboratory, Skane University Hospital Lund
Classification: Pathogenic for Corneal dystrophy. Last evaluated: 2026-04-15. Review status: criteria provided, single submitter. Criteria: ACMG Guidelines, 2015. Collection method: clinical testing. Allele origin: germline. Affected: yes.
Comment: The variant has been classified as pathogenic with the following ACMG criteria PS3, PS4, PM5

Labcorp Genetics (formerly Invitae), Labcorp
Classification: Pathogenic. Last evaluated: 2025-12-24. Review status: criteria provided, single submitter. Criteria: Invitae Variant Classification Sherloc (09022015). Collection method: clinical testing. Allele origin: germline.
Comment: This sequence change replaces arginine, which is basic and polar, with tryptophan, which is neutral and slightly polar, at codon 555 of the TGFBI protein (p.Arg555Trp). This variant is not present in population databases (gnomAD no frequency). This missense change has been observed in individuals with autosomal dominant corneal dystrophy (PMID: 1264234, 9054935, 11923233, 21264234). It has also been observed to segregate with disease in related individuals. This variant is also known as 1710C>T. ClinVar contains an entry for this variant (Variation ID: 7866). Invitae Evidence Modeling of protein sequence and biophysical properties (such as structural, functional, and spatial information, amino acid conservation, physicochemical variation, residue mobility, and thermodynamic stability) indicates that this missense variant is not expected to disrupt TGFBI protein function with a negative predictive value of 80%. Experimental studies have shown that this missense change affects TGFBI function (PMID: 23559853). This variant disrupts the p.Arg555 amino acid residue in TGFBI. Other variant(s) that disrupt this residue have been determined to be pathogenic (PMID: 21135107, 22355247). This suggests that this residue is clinically significant, and that variants that disrupt this residue are likely to be disease-causing. For these reasons, this variant has been classified as Pathogenic.

3billion
Classification: Pathogenic for TGFBI-related disorder. Last evaluated: 2025-11-14. Review status: criteria provided, single submitter. Criteria: ACMG Guidelines, 2015. Collection method: clinical testing. Allele origin: germline. Affected: yes.
Comment: The variant is observed at an extremely low frequency in the gnomAD v4.1.0 dataset (total allele frequency: <0.001%). Predicted Consequence/Location: The variant is located in a mutational hot spot and/or well-established functional domain in which established pathogenic variants have been reported (PMID: 30830990). Missense variant. Missense changes are a common disease-causing mechanism. In silico tool predictions suggest damaging effect of the variant on gene or gene product [REVEL: 0.64 (>=0.6, sensitivity 0.68 and specificity 0.92); 3Cnet: 0.48 (> 0.75, sensitivity 0.96 and precision 0.92)]. The same nucleotide change resulting in the same amino acid change has been previously reported as pathogenic/likely pathogenic with strong evidence (ClinVar ID: VCV000007866 /PMID: 9054935 /3billion dataset). A different missense change at the same codon (p.Arg555Gln) has been reported as pathogenic/likely pathogenic with strong evidence (ClinVar ID: VCV000007867 /PMID: 9054935 /3billion dataset). Therefore, this variant is classified as Pathogenic according to the recommendation of ACMG/AMP guideline.

Genetics Laboratory, Great Ormond Street Hospital NHS Foundation Trust, North Thames Genomic Laboratory Hub
Classification: Pathogenic for Corneal dystrophy. Last evaluated: 2025-11-05. Review status: criteria provided, single submitter. Criteria: ACGS Best Practice Guidelines for Variant Classification in Rare Disease 2024 v1.2. Collection method: clinical testing. Allele origin: germline. Affected: yes.
Comment: PS4_moderate, PM2_moderate, PP1_strong, PM6_moderate

GeneDx
Classification: Pathogenic. Last evaluated: 2025-10-11. Review status: criteria provided, single submitter. Criteria: GeneDx Variant Classification Process June 2021. Collection method: clinical testing. Allele origin: germline.
Comment: Reported in patients with corneal dystrophy at GeneDx and in the published literature, including multiple affected individuals from a single family wherein homozygotes exhibited a more severe phenotype than heterozygous individuals (PMID: 9727509, 35985662); Published functional studies demonstrate that p.(R555W) leads to increased expression and aggregation of the TGFBI protein (PMID: 22850414, 24129074, 21135107); Not observed at significant frequency in large population cohorts (gnomAD); In silico analysis supports that this missense variant does not alter protein structure/function; This variant is associated with the following publications: (PMID: 16087849, 23828476, 19948560, 19337156, 23991378, 21836353, 22355247, 20664689, 21264234, 16767671, 22746317, 22575305, 23559853, 9054935, 12709742, 26305369, 26464103, 18650671, 9744382, 30915236, 34097874, 14576527, 16118514, 22605926, 11923233, 21135107, 35985662, 33816482, 24129074, 22850414, 9727509, 36729443, 36902444, 38577561)

Blueprint Genetics
Classification: Pathogenic for TGFBI-related disorders. Last evaluated: 2024-01-09. Review status: criteria provided, single submitter. Criteria: ACMG Guidelines, 2015. Collection method: clinical testing. Allele origin: germline. Affected: yes. Observed: 5 variant alleles.

CeGaT Center for Human Genetics Tuebingen
Classification: Pathogenic. Last evaluated: 2023-09-01. Review status: criteria provided, single submitter. Criteria: CeGaT Center For Human Genetics Tuebingen Variant Classification Criteria Version 2. Collection method: clinical testing. Allele origin: germline. Affected: yes. Observed: 1 variant allele.
Comment: TGFBI: PP1:Strong, PM2, PM5, PM6, PS4:Moderate, BP4

MGZ Medical Genetics Center
Classification: Pathogenic for Lattice corneal dystrophy Type I. Last evaluated: 2022-05-03. Review status: criteria provided, single submitter. Criteria: ACMG Guidelines, 2015. Collection method: clinical testing. Allele origin: germline. Affected: yes. Observed: 1 variant allele.
Comment: ACMG criteria applied: PS4_VSTR, PM5, PM2_SUP, PP1

Genetics and Molecular Pathology, SA Pathology
Classification: Pathogenic for Groenouw corneal dystrophy type I. Last evaluated: 2021-09-22. Review status: criteria provided, single submitter. Criteria: ACMG Guidelines, 2015. Collection method: clinical testing. Allele origin: germline. Inheritance: Autosomal dominant inheritance. Affected: yes.

New York Genome Center
Classification: Pathogenic for Avellino corneal dystrophy; Epithelial basement membrane dystrophy; Groenouw corneal dystrophy type I; Lattice corneal dystrophy Type I; Corneal dystrophy, lattice type 3A; Reis-Bucklers' corneal dystrophy; Thiel-Behnke corneal dystrophy. Last evaluated: 2021-05-07. Review status: criteria provided, single submitter. Criteria: NYGC Assertion Criteria 2020. Collection method: clinical testing. Allele origin: de novo. Observed: 1 heterozygote. Study: CSER-NYCKidSeq.
Comment: The de novo c.1663C>T (p.Arg555Trp) variant identified in the TGFBI gene substitutes an Arginine for Tryptophan at amino acid 555/684 (exon12/17). This amino acid is not well conserved in mammals. This variant is found with low frequency in gnomAD(v3.1.1) (1 heterozygote, 0 homozygotes; allele frequency:6.57e-6) suggesting it is not a common benign variant in the populations represented in that database. In silico algorithms predict this variant to be Damaging (SIFT;score:0.018) and Pathogenic (REVEL; score:0.6399) to the function of the canonical transcript. This variant is reported as Pathogenic in ClinVar (VarID:7866), and has been reported in many individuals in the literature with corneal dystrophy, and is a well-known pathogenic variant associated with corneal dystrophy [PMID:33816482; PMID:33513810; others]. The de novo c.1663C>T (p.Arg555Trp) variant identified in the TGFBI gene is reported as Pathogenic.

Clinical Genetics Service, Universitary Hospital 12 de Octubre
Classification: Pathogenic for Groenouw corneal dystrophy type I. Review status: criteria provided, single submitter. Criteria: ACMG Guidelines, 2015. Collection method: clinical testing. Allele origin: germline. Affected: yes.

OMIM
Classification: Pathogenic for CORNEAL DYSTROPHY, GROENOUW TYPE I. Last evaluated: 1998-08-01. Review status: no assertion criteria provided. Collection method: literature only. Allele origin: germline. Not counted in ClinVar's aggregate classification.

Literature cited by the submitters: PubMed 1264234 (cited by Labcorp Genetics (formerly Invitae), Labcorp); PubMed 9054935 (cited by 3 submitters); PubMed 11923233 (cited by Labcorp Genetics (formerly Invitae), Labcorp); PubMed 21264234 (cited by Labcorp Genetics (formerly Invitae), Labcorp); PubMed 23559853 (cited by Labcorp Genetics (formerly Invitae), Labcorp); PubMed 21135107 (cited by Labcorp Genetics (formerly Invitae), Labcorp); PubMed 22355247 (cited by Labcorp Genetics (formerly Invitae), Labcorp); PubMed 9727509 (cited by OMIM).

NM_000358.3(TGFBI):c.1663C>T (p.Arg555Trp)

Gene: TGFBI (transforming growth factor beta induced; plus strand). Cytogenetic location: 5q31.1.
Variant type: single nucleotide variant.
Coding change: c.1663C>T on transcript NM_000358.3 (MANE Select); coding-DNA position 1663, C replaced by T.
Protein change: p.Arg555Trp; replaces arginine 555 with tryptophan.
Molecular consequence: missense variant.
Genome position (GRCh38, 1-based): chr5:136,056,780, C>T. VCF-style: chr5-136056780-C-T. GRCh37 (hg19) VCF-style: chr5-135392469-C-T.
Other names: c.1663C>T (NM_000358.2); short protein forms R555W.
Identifiers: ClinVar variation 7866 (VCV000007866.43), dbSNP rs121909208, ClinGen allele CA119119.
Genomic context (GRCh38, chr5:136,056,780, plus strand): 5'-GGAGTCTACACAGTCTTTGCTCCCACAAATGAAGCCTTCCGAGCCCTGCCACCAAGAGAA[C>T]GGAGCAGACTCTTGGGTAAAGACCAACTTAAGTACACGTCTCCATTTTTCTAAAGTAGTG-3'
Protein context (NP_000349.1, residues 545-565): EAFRALPPRE[Arg555Trp]SRLLGDAKEL